The following is an entry in ClinVar:

ClinVar aggregate classification (germline): Uncertain significance (1 of 4 stars; one submission).

Conditions:
Anterior segment dysgenesis 7 (ASGD7). Also called: SCLEROCORNEA WITH OTHER OCULAR ANOMALIES; Anterior segment dysgenesis 7, with sclerocornea. Identifiers: Orphanet 289499, MedGen C3151617, MONDO:0010015, OMIM 269400.

Allele frequency attached by ClinVar (database versions not stated): gnomAD exomes below 0.00001 and 0.00001; TOPMed below 0.00001; ExAC 0.00001; gnomAD 0.00001.
gnomAD v4.1: 5 of 1,613,872 alleles (0.00031%); highest among the groups gnomAD compares: Admixed American, 0.0017%; no homozygotes.

Submission:

Labcorp Genetics (formerly Invitae), Labcorp
Classification: Uncertain significance for Anterior segment dysgenesis 7. Last evaluated: 2021-10-20. Review status: criteria provided, single submitter. Criteria: Invitae Variant Classification Sherloc (09022015). Collection method: clinical testing. Allele origin: germline.
Comment: In summary, the available evidence is currently insufficient to determine the role of this variant in disease. Therefore, it has been classified as a Variant of Uncertain Significance. Algorithms developed to predict the effect of sequence changes on RNA splicing suggest that this variant may create or strengthen a splice site. Algorithms developed to predict the effect of missense changes on protein structure and function are either unavailable or do not agree on the potential impact of this missense change (SIFT: "Tolerated"; PolyPhen-2: "Probably Damaging"; Align-GVGD: "Class C0"). This variant has not been reported in the literature in individuals affected with PXDN-related conditions. This variant is present in population databases (rs748238090, ExAC 0.01%). This sequence change replaces arginine with glutamine at codon 727 of the PXDN protein (p.Arg727Gln). The arginine residue is highly conserved and there is a small physicochemical difference between arginine and glutamine.

NM_012293.3(PXDN):c.2180G>A (p.Arg727Gln)

Gene: PXDN (peroxidasin; minus strand). Cytogenetic location: 2p25.3.
Variant type: single nucleotide variant.
Coding change: c.2180G>A on transcript NM_012293.3 (MANE Select); coding-DNA position 2180, G replaced by A.
Protein change: p.Arg727Gln; replaces arginine 727 with glutamine.
Molecular consequence: missense variant.
Genome position (GRCh38, 1-based): chr2:1,649,600, C>T on the plus strand (G>A on the coding strand, the complement: PXDN is on the minus strand). VCF-style: chr2-1649600-C-T. GRCh37 (hg19) VCF-style: chr2-1653372-C-T.
Other names: short protein forms R727Q.
Identifiers: ClinVar variation 1369902 (VCV001369902.6), dbSNP rs748238090, ClinGen allele CA1513049.